The following is an entry in ClinVar:

ClinVar aggregate classification (germline): Uncertain significance (1 of 4 stars; one submission).

Submission:

Labcorp Genetics (formerly Invitae), Labcorp
Classification: Uncertain significance. Last evaluated: 2025-08-18. Review status: criteria provided, single submitter. Criteria: Invitae Variant Classification Sherloc (09022015). Collection method: clinical testing. Allele origin: germline.
Comment: This variant, c.308_310del, results in the deletion of 1 amino acid(s) of the GFM2 protein (p.Val103del), but otherwise preserves the integrity of the reading frame. This variant is present in population databases (no rsID available, gnomAD 0.0009%). This variant has not been reported in the literature in individuals affected with GFM2-related conditions. ClinVar contains an entry for this variant (Variation ID: 1896256). Experimental studies and prediction algorithms are not available or were not evaluated, and the functional significance of this variant is currently unknown. In summary, the available evidence is currently insufficient to determine the role of this variant in disease. Therefore, it has been classified as a Variant of Uncertain Significance.

NM_032380.5(GFM2):c.308_310del (p.Val103del)

Gene: GFM2 (GTP dependent ribosome recycling factor mitochondrial 2; minus strand). Cytogenetic location: 5q13.3.
Variant type: Deletion.
Coding change: c.308_310del on transcript NM_032380.5 (MANE Select); coding-DNA positions 308 to 310, 3 bases deleted (TTG; older notation c.308_310delTTG).
Protein change: p.Val103del; deletes valine 103.
Molecular consequence: inframe deletion. On other transcripts: non-coding transcript variant (1).
Genome position (GRCh38, 1-based): chr5:74,751,488-74,751,490, CAA deleted on the plus strand (TTG on the coding strand, the reverse complement: GFM2 is on the minus strand); deleting any 3 consecutive bases within chr5:74,751,488-74,751,492 gives the same sequence; the c. name uses the placement nearest the transcript's 3' end. VCF-style (leftmost placement, unchanged base first): chr5-74751487-TCAA-T. GRCh37 (hg19) VCF-style: chr5-74047312-TCAA-T.
Other names: c.404_406del, p.Val135del (NM_001281302.2); c.308_310del, p.Val103del (NM_170681.3, NM_170691.3); short protein forms V103del, V135del.
Identifiers: ClinVar variation 1896256 (VCV001896256.5), dbSNP rs899126615, ClinGen allele CA120927080.